The following is an entry in ClinVar:

ClinVar aggregate classification (germline): Uncertain significance. Review status: criteria provided, multiple submitters, no conflicts (2 of 4 stars). 2 submissions from 2 submitters: Uncertain significance (2). Last evaluated 2026-04-08.

Conditions:
Familial thoracic aortic aneurysm and aortic dissection (TAAD). Also called: Thoracic aortic aneurysms and dissections. Identifiers: Orphanet 91387, MedGen C4707243, MONDO:0019625.

Allele frequency attached by ClinVar (database versions not stated): gnomAD exomes 0.00001; ExAC 0.00002; 1000 Genomes Project 30x 0.00016.
gnomAD v4.1: 10 of 1,613,526 alleles (0.00062%); highest among the groups gnomAD compares: South Asian, 0.011%; no homozygotes.

Submissions (2):

GeneDx
Classification: Uncertain significance. Last evaluated: 2026-04-08. Review status: criteria provided, single submitter. Criteria: GeneDx Variant Classification Process June 2021. Collection method: clinical testing. Allele origin: germline.
Comment: In silico analysis suggests that this missense variant does not alter protein structure/function; Has not been previously published as pathogenic or benign to our knowledge

Ambry Genetics
Classification: Uncertain significance for Familial thoracic aortic aneurysm and aortic dissection. Last evaluated: 2023-10-05. Review status: criteria provided, single submitter. Criteria: Ambry Variant Classification Scheme 2023. Collection method: clinical testing. Allele origin: germline.

NM_000302.4(PLOD1):c.1031A>T (p.Tyr344Phe)

Gene: PLOD1 (procollagen-lysine,2-oxoglutarate 5-dioxygenase 1; plus strand). Cytogenetic location: 1p36.22.
Variant type: single nucleotide variant.
Coding change: c.1031A>T on transcript NM_000302.4 (MANE Select); coding-DNA position 1031, A replaced by T.
Protein change: p.Tyr344Phe; replaces tyrosine 344 with phenylalanine.
Molecular consequence: missense variant.
Genome position (GRCh38, 1-based): chr1:11,960,701, A>T. VCF-style: chr1-11960701-A-T. GRCh37 (hg19) VCF-style: chr1-12020758-A-T.
Other names: c.1172A>T, p.Tyr391Phe (NM_001316320.2); short protein forms Y344F, Y391F.
Identifiers: ClinVar variation 3215342 (VCV003215342.3), dbSNP rs200166434, ClinGen allele CA598243.
Genomic context (GRCh38, chr1:11,960,701, plus strand): 5'-CCCAGGAGCAGCACCACAAGGCTCAGGTGGAAGAGTTCCTGGCACAGCATGGCAGCGAGT[A>T]CCAGTCTGTGAAGCTGGTGGGCCCTGAGGTGCGGATGGCGAATGCAGATGCCAGGAACAT-3'
Protein context (NP_000293.2, residues 334-354): EEFLAQHGSE[Tyr344Phe]QSVKLVGPEV